The following is an entry in ClinVar:

ClinVar aggregate classification (germline): Uncertain significance (1 of 4 stars; one submission).

gnomAD v4.1: 1 of 1,614,154 alleles (0.000062%); highest among the groups gnomAD compares: Non-Finnish European, 0.000085%; no homozygotes.

Submission:

Labcorp Genetics (formerly Invitae), Labcorp
Classification: Uncertain significance. Last evaluated: 2025-12-15. Review status: criteria provided, single submitter. Criteria: Invitae Variant Classification Sherloc (09022015). Collection method: clinical testing. Allele origin: germline.
Comment: This sequence change replaces cysteine, which is neutral and slightly polar, with tryptophan, which is neutral and slightly polar, at codon 164 of the CLCN6 protein (p.Cys164Trp). This variant is not present in population databases (gnomAD no frequency). This variant has not been reported in the literature in individuals affected with CLCN6-related conditions. An algorithm developed to predict the effect of missense changes on protein structure and function (PolyPhen-2) suggests that this variant is likely to be disruptive. In summary, the available evidence is currently insufficient to determine the role of this variant in disease. Therefore, it has been classified as a Variant of Uncertain Significance.

NM_001286.5(CLCN6):c.492C>G (p.Cys164Trp)

Gene: CLCN6 (Cl-/H+ antiporter 6; plus strand). Cytogenetic location: 1p36.22.
Variant type: single nucleotide variant.
Coding change: c.492C>G on transcript NM_001286.5 (MANE Select); coding-DNA position 492, C replaced by G.
Protein change: p.Cys164Trp; replaces cysteine 164 with tryptophan.
Molecular consequence: missense variant. On other transcripts: non-coding transcript variant (1).
Genome position (GRCh38, 1-based): chr1:11,823,745, C>G. VCF-style: chr1-11823745-C-G. GRCh37 (hg19) VCF-style: chr1-11883802-C-G.
Other names: c.426C>G, p.Cys142Trp (NM_001256959.2); short protein forms C164W, C142W.
Identifiers: ClinVar variation 4762030 (VCV004762030.1).